The following is an entry in ClinVar:

ClinVar aggregate classification (germline): Uncertain significance (1 of 4 stars; one submission).

Conditions:
Emery-Dreifuss muscular dystrophy 5, autosomal dominant (EDMD5). Also called: EMERY-DREIFUSS MUSCULAR DYSTROPHY 5. Identifiers: Orphanet 261, MedGen C2751805, MONDO:0013072, OMIM 612999.

Allele frequency attached by ClinVar (database versions not stated): ExAC 0.00001; gnomAD 0.00001; TOPMed 0.00001.
gnomAD v4.1: 20 of 1,613,400 alleles (0.0012%); highest among the groups gnomAD compares: Non-Finnish European, 0.0014%; no homozygotes.

Submission:

Labcorp Genetics (formerly Invitae), Labcorp
Classification: Uncertain significance for Emery-Dreifuss muscular dystrophy 5, autosomal dominant. Last evaluated: 2025-02-16. Review status: criteria provided, single submitter. Criteria: Invitae Variant Classification Sherloc (09022015). Collection method: clinical testing. Allele origin: germline.
Comment: This sequence change replaces tryptophan, which is neutral and slightly polar, with cysteine, which is neutral and slightly polar, at codon 522 of the SYNE2 protein (p.Trp522Cys). This variant is present in population databases (rs760091059, gnomAD 0.002%). This variant has not been reported in the literature in individuals affected with SYNE2-related conditions. ClinVar contains an entry for this variant (Variation ID: 2900026). An algorithm developed to predict the effect of missense changes on protein structure and function (PolyPhen-2) suggests that this variant is likely to be disruptive. In summary, the available evidence is currently insufficient to determine the role of this variant in disease. Therefore, it has been classified as a Variant of Uncertain Significance.

NM_182914.3(SYNE2):c.1566G>T (p.Trp522Cys)

Gene: SYNE2 (spectrin repeat containing nuclear envelope protein 2; plus strand). Cytogenetic location: 14q23.2.
Variant type: single nucleotide variant.
Coding change: c.1566G>T on transcript NM_182914.3 (MANE Select); coding-DNA position 1566, G replaced by T.
Protein change: p.Trp522Cys; replaces tryptophan 522 with cysteine.
Molecular consequence: missense variant.
Genome position (GRCh38, 1-based): chr14:63,979,011, G>T. VCF-style: chr14-63979011-G-T. GRCh37 (hg19) VCF-style: chr14-64445729-G-T.
Other names: c.1566G>T, p.Trp522Cys (NM_015180.6); short protein forms W522C.
Identifiers: ClinVar variation 2900026 (VCV002900026.3), dbSNP rs760091059, ClinGen allele CA7219453.
Genomic context (GRCh38, chr14:63,979,011, plus strand): 5'-GGATATTTGGAACATTAAATATGGGAGCAGAGAATCTGTGGAATTATTGCTGGAAGACTG[G>T]CATGTAAGCTTTTCAATTTTGTGTCTTAGGCAACTCCTCCATCTCTGGGTGCTGTGTTTG-3'
Protein context (NP_878918.2, residues 512-532): RESVELLLED[Trp522Cys]HKFIEEKEFL